The following is an entry in ClinVar:

NM_001103.4(ACTN2):c.59T>C (p.Met20Thr)

Gene: ACTN2 (actinin alpha 2; plus strand). Cytogenetic location: 1q43.
Variant type: single nucleotide variant.
Coding change: c.59T>C on transcript NM_001103.4 (MANE Select); coding-DNA position 59, T replaced by C.
Protein change: p.Met20Thr; replaces methionine 20 with threonine.
Molecular consequence: missense variant. On other transcripts: 5 prime UTR variant (1).
Genome position (GRCh38, 1-based): chr1:236,686,732, T>C. VCF-style: chr1-236686732-T-C. GRCh37 (hg19) VCF-style: chr1-236850032-T-C.
Other names: c.59T>C, p.Met20Thr (NM_001278343.2); c.-763T>C (NM_001278344.2); short protein forms M20T.
Identifiers: ClinVar variation 1064227 (VCV001064227.17), dbSNP rs776456711, ClinGen allele CA1472699.

ClinVar aggregate classification (germline): Uncertain significance. Review status: criteria provided, multiple submitters, no conflicts (2 of 4 stars). 4 submissions from 4 submitters: Uncertain significance (4). Last evaluated 2025-08-06.

Conditions:
Myopathy, congenital, with structured cores and z-line abnormalities. Also called: CONGENITAL MYOPATHY 8; MULTIPLE STRUCTURED CORE DISEASE. Identifiers: MedGen C5231445, MONDO:0032852, OMIM 618654.
Myopathy, distal, 6, adult-onset, autosomal dominant. Identifiers: MedGen C5203349, MONDO:0032853, OMIM 618655.
Dilated cardiomyopathy 1AA (CMD1AA). Also called: CARDIOMYOPATHY, DILATED, 1AA, WITH OR WITHOUT LEFT VENTRICULAR NONCOMPACTION; Cardiomyopathy, dilated, 1AA, with or without LVNC; CARDIOMYOPATHY, FAMILIAL HYPERTROPHIC, 23, WITH OR WITHOUT LEFT VENTRICULAR NONCOMPACTION. Identifiers: Orphanet 154, MedGen C2677338, MONDO:0012808, OMIM 612158.
Cardiovascular phenotype. Identifiers: MedGen CN230736.
Primary familial hypertrophic cardiomyopathy (HCM). Identifiers: Orphanet 99739, MedGen C0949658, MeSH D024741, MONDO:0024573. Inheritance: Various modes of inheritance.

Allele frequency attached by ClinVar (database versions not stated): ExAC 0.00001; TOPMed 0.00001; gnomAD 0.00002.
gnomAD v4.1: 11 of 1,562,482 alleles (0.0007%); highest among the groups gnomAD compares: Non-Finnish European, 0.00069%; no homozygotes.

Submissions (6):

Labcorp Genetics (formerly Invitae), Labcorp
Classification: Uncertain significance for Primary familial hypertrophic cardiomyopathy; Dilated cardiomyopathy 1AA. Last evaluated: 2025-08-06. Review status: criteria provided, single submitter. Criteria: Invitae Variant Classification Sherloc (09022015). Collection method: clinical testing. Allele origin: germline.
Comment: This sequence change replaces methionine, which is neutral and non-polar, with threonine, which is neutral and polar, at codon 20 of the ACTN2 protein (p.Met20Thr). The frequency data for this variant in the population databases is considered unreliable, as metrics indicate poor data quality at this position in the gnomAD database. This variant has not been reported in the literature in individuals affected with ACTN2-related conditions. ClinVar contains an entry for this variant (Variation ID: 1064227). Invitae Evidence Modeling of protein sequence and biophysical properties (such as structural, functional, and spatial information, amino acid conservation, physicochemical variation, residue mobility, and thermodynamic stability) indicates that this missense variant is not expected to disrupt ACTN2 protein function with a negative predictive value of 95%. In summary, the available evidence is currently insufficient to determine the role of this variant in disease. Therefore, it has been classified as a Variant of Uncertain Significance.

GeneDx
Classification: Uncertain significance. Last evaluated: 2024-11-18. Review status: criteria provided, single submitter. Criteria: GeneDx Variant Classification Process June 2021. Collection method: clinical testing. Allele origin: germline. Affected: yes.
Comment: Not observed at significant frequency in large population cohorts (gnomAD); In silico analysis supports that this missense variant has a deleterious effect on protein structure/function; Has not been previously published as pathogenic or benign to our knowledge; This variant is associated with the following publications: (PMID: 26582918)

Ambry Genetics
Classification: Uncertain significance for Cardiovascular phenotype. Last evaluated: 2024-03-19. Review status: criteria provided, single submitter. Criteria: Ambry Variant Classification Scheme 2023. Collection method: clinical testing. Allele origin: germline.
Comment: The p.M20T variant (also known as c.59T>C), located in coding exon 1 of the ACTN2 gene, results from a T to C substitution at nucleotide position 59. The methionine at codon 20 is replaced by threonine, an amino acid with similar properties. This amino acid position is highly conserved in available vertebrate species. In addition, the in silico prediction for this alteration is inconclusive. Based on the available evidence, the clinical significance of this alteration remains unclear.

Fulgent Genetics
Classification: Uncertain significance for Dilated cardiomyopathy 1AA; Myopathy, congenital, with structured cores and z-line abnormalities; Myopathy, distal, 6, adult-onset, autosomal dominant. Last evaluated: 2021-09-24. Review status: criteria provided, single submitter. Criteria: ACMG Guidelines, 2015. Collection method: clinical testing. Allele origin: unknown.

Avery Lab, Oakland University
No classification provided (evidence only). Condition: Dilated cardiomyopathy 1AA; Hypertrophic cardiomyopathy 1. Review status: no classification provided. Collection method: in vivo. Allele origin: not applicable. Functional consequence: loss of function. Not counted in ClinVar's aggregate classification.

Avery Lab, Oakland University
No classification provided (evidence only). Condition: Dilated cardiomyopathy 1AA; Hypertrophic cardiomyopathy 1. Review status: no classification provided. Collection method: in vitro. Allele origin: not applicable. Functional consequence: loss of function. Not counted in ClinVar's aggregate classification.